The following is an entry in ClinVar:

NM_003978.5(PSTPIP1):c.1138C>T (p.Leu380=)

Gene: PSTPIP1 (proline-serine-threonine phosphatase interacting protein 1; plus strand). Cytogenetic location: 15q24.3.
Variant type: single nucleotide variant.
Coding change: c.1138C>T on transcript NM_003978.5 (MANE Select); coding-DNA position 1138, C replaced by T.
Protein change: p.Leu380=; no amino-acid change (leucine 380 retained).
Molecular consequence: synonymous variant. On other transcripts: non-coding transcript variant (1).
Genome position (GRCh38, 1-based): chr15:77,037,063, C>T. VCF-style: chr15-77037063-C-T. GRCh37 (hg19) VCF-style: chr15-77329404-C-T.
Other names: c.1081C>T, p.Leu361= (NM_001321135.2); c.1111C>T, p.Leu371= (NM_001321136.2); c.1333C>T, p.Leu445= (NM_001321137.1).
Identifiers: ClinVar variation 1148406 (VCV001148406.18), dbSNP rs1316450945, ClinGen allele CA491336317.
Genomic context (GRCh38, chr15:77,037,063, plus strand): 5'-GCAGGCCCTTCCAACGTCATGCGCTTTCAATCTCTTGGCCAGAACCCAGATGAGCTGGAC[C>T]TGTCCGCGGGAGACATCCTGGAGGTGATCCTGGAAGGGGAGGATGGCTGGTGGACTGTGG-3'
Protein context (NP_003969.2, residues 370-390): YTAQNPDELD[Leu380=]SAGDILEVIL

ClinVar aggregate classification (germline): Likely benign. Review status: criteria provided, multiple submitters, no conflicts (2 of 4 stars). 2 submissions from 2 submitters: Likely benign (2). Last evaluated 2025-06-01.

Conditions:
Pyogenic arthritis-pyoderma gangrenosum-acne syndrome (PAPA). Also called: FAMILIAL RECURRENT ARTHRITIS; PAPA SYNDROME. Identifiers: Orphanet 69126, MedGen C1858361, MONDO:0011462, OMIM 604416.

Allele frequency attached by ClinVar (database versions not stated): gnomAD 0.00001.
gnomAD v4.1: 9 of 1,612,166 alleles (0.00056%); highest among the groups gnomAD compares: African/African-American, 0.0013%; no homozygotes.

Submissions (2):

CeGaT Center for Human Genetics Tuebingen
Classification: Likely benign. Last evaluated: 2025-06-01. Review status: criteria provided, single submitter. Criteria: CeGaT Center For Human Genetics Tuebingen Variant Classification Criteria Version 2. Collection method: clinical testing. Allele origin: germline. Affected: yes. Observed: 1 variant allele.
Comment: PSTPIP1: BP4, BP7

Labcorp Genetics (formerly Invitae), Labcorp
Classification: Likely benign for Pyogenic arthritis-pyoderma gangrenosum-acne syndrome. Last evaluated: 2024-05-21. Review status: criteria provided, single submitter. Criteria: Invitae Variant Classification Sherloc (09022015). Collection method: clinical testing. Allele origin: germline.